The following is an entry in ClinVar:

ClinVar aggregate classification (germline): Uncertain significance (1 of 4 stars; one submission).

Conditions:
MAGEL2-related disorder. Also called: MAGEL2-related condition.

gnomAD v4.1: 2 of 1,535,476 alleles (0.00013%); highest among the groups gnomAD compares: Non-Finnish European, 0.00018%; no homozygotes.

Submission:

PreventionGenetics, part of Exact Sciences
Classification: Uncertain significance for MAGEL2-related condition. Last evaluated: 2026-05-26. Review status: criteria provided, single submitter. Criteria: ACMG Guidelines, 2015. Collection method: clinical testing. Allele origin: germline.
Comment: The MAGEL2 c.1699C>T variant is predicted to result in the amino acid substitution p.Pro567Ser. To our knowledge, this variant has not been reported in the literature or in a large population database (gnomAD), indicating this variant is rare. At this time, the clinical significance of this variant is uncertain due to the absence of conclusive functional and genetic evidence.

NM_019066.5(MAGEL2):c.1699C>T (p.Pro567Ser)

Gene: MAGEL2 (MAGE family member L2; minus strand). Cytogenetic location: 15q11.2.
Variant type: single nucleotide variant.
Coding change: c.1699C>T on transcript NM_019066.5 (MANE Select); coding-DNA position 1699, C replaced by T.
Protein change: p.Pro567Ser; replaces proline 567 with serine.
Molecular consequence: missense variant.
Genome position (GRCh38, 1-based): chr15:23,646,044, G>A on the plus strand (C>T on the coding strand, the complement: MAGEL2 is on the minus strand). VCF-style: chr15-23646044-G-A. GRCh37 (hg19) VCF-style: chr15-23891191-G-A.
Other names: short protein forms P567S.
Identifiers: ClinVar variation 3349614 (VCV003349614.2).